The following is an entry in ClinVar:

ClinVar aggregate classification (germline): Uncertain significance. Review status: criteria provided, multiple submitters, no conflicts (2 of 4 stars). 2 submissions from 2 submitters: Uncertain significance (2). Last evaluated 2025-11-12.

Conditions:
Inborn genetic diseases. Identifiers: MedGen C0950123, MeSH D030342.

Allele frequency attached by ClinVar (database versions not stated): TOPMed below 0.00001; gnomAD exomes 0.00001.
gnomAD v4.1: 15 of 1,584,092 alleles (0.00095%); highest among the groups gnomAD compares: African/African-American, 0.0027%; no homozygotes.

Submissions (2):

Ambry Genetics
Classification: Uncertain significance for Inborn genetic diseases. Last evaluated: 2025-11-12. Review status: criteria provided, single submitter. Criteria: Ambry Variant Classification Scheme 2023. Collection method: clinical testing. Allele origin: germline.

Labcorp Genetics (formerly Invitae), Labcorp
Classification: Uncertain significance. Last evaluated: 2022-07-12. Review status: criteria provided, single submitter. Criteria: Invitae Variant Classification Sherloc (09022015). Collection method: clinical testing. Allele origin: germline.
Comment: This variant is not present in population databases (gnomAD no frequency). In summary, the available evidence is currently insufficient to determine the role of this variant in disease. Therefore, it has been classified as a Variant of Uncertain Significance. Algorithms developed to predict the effect of missense changes on protein structure and function (SIFT, PolyPhen-2, Align-GVGD) all suggest that this variant is likely to be tolerated. ClinVar contains an entry for this variant (Variation ID: 1439825). This variant has not been reported in the literature in individuals affected with PCGF2-related conditions. This sequence change replaces alanine, which is neutral and non-polar, with threonine, which is neutral and polar, at codon 212 of the PCGF2 protein (p.Ala212Thr).

NM_007144.3(PCGF2):c.634G>A (p.Ala212Thr)

Gene: PCGF2 (polycomb group ring finger 2; minus strand). Cytogenetic location: 17q12.
Variant type: single nucleotide variant.
Coding change: c.634G>A on transcript NM_007144.3 (MANE Select); coding-DNA position 634, G replaced by A.
Protein change: p.Ala212Thr; replaces alanine 212 with threonine.
Molecular consequence: missense variant.
Genome position (GRCh38, 1-based): chr17:38,736,113, C>T on the plus strand (G>A on the coding strand, the complement: PCGF2 is on the minus strand). VCF-style: chr17-38736113-C-T. GRCh37 (hg19) VCF-style: chr17-36892366-C-T.
Other names: c.634G>A, p.Ala212Thr (NM_001369614.1, NM_001369615.1); c.634G>A (NM_007144.2); short protein forms A212T.
Identifiers: ClinVar variation 1439825 (VCV001439825.9), dbSNP rs1304683105, ClinGen allele CA398820372.